The following is an entry in ClinVar:

NM_001256715.2(DNAAF3):c.-67C>T

Genes: DNAAF3 (dynein axonemal assembly factor 3; minus strand), DNAAF3-AS1 (DNAAF3 antisense RNA 1; plus strand). Cytogenetic location: 19q13.42.
Variant type: single nucleotide variant.
Coding change: c.-67C>T on transcript NM_001256715.2 (MANE Select); 67 bases upstream of the start codon, C replaced by T.
Molecular consequence: 5 prime UTR variant. On other transcripts: missense variant (2).
Genome position (GRCh38, 1-based): chr19:55,166,585, G>A on the plus strand (C>T on the coding strand, the complement: DNAAF3 is on the minus strand). VCF-style: chr19-55166585-G-A. GRCh37 (hg19) VCF-style: chr19-55677953-G-A.
Other names: c.64C>T, p.Arg22Trp (NM_001256714.1, NM_178837.4); c.-316C>T (NM_001256716.2); short protein forms R22W.
Identifiers: ClinVar variation 945197 (VCV000945197.1), dbSNP rs2085943148, ClinGen allele CA407464302.

ClinVar aggregate classification (germline): Uncertain significance (1 of 4 stars; one submission).

Conditions:
Primary ciliary dyskinesia. Also called: Ciliary dyskinesia. Identifiers: Orphanet 244, MedGen C0008780, MONDO:0016575, HP:0012265.

Submission:

Labcorp Genetics (formerly Invitae), Labcorp
Classification: Uncertain significance for Primary ciliary dyskinesia. Last evaluated: 2019-06-11. Review status: criteria provided, single submitter. Criteria: Invitae Variant Classification Sherloc (09022015). Collection method: clinical testing. Allele origin: germline.
Comment: This sequence change replaces arginine with tryptophan at codon 22 of the DNAAF3 protein (p.Arg22Trp). The arginine residue is weakly conserved and there is a moderate physicochemical difference between arginine and tryptophan. This variant is not present in population databases (ExAC no frequency). This variant has not been reported in the literature in individuals with DNAAF3-related conditions. Algorithms developed to predict the effect of missense changes on protein structure and function output the following: SIFT: "Deleterious"; PolyPhen-2: "Benign"; Align-GVGD: "Class C0". The tryptophan amino acid residue is found in multiple mammalian species, suggesting that this missense change does not adversely affect protein function. These predictions have not been confirmed by published functional studies and their clinical significance is uncertain. Algorithms developed to predict the effect of sequence changes on RNA splicing suggest that this variant may create or strengthen a splice site, but this prediction has not been confirmed by published transcriptional studies. In summary, the available evidence is currently insufficient to determine the role of this variant in disease. Therefore, it has been classified as a Variant of Uncertain Significance.